The following is an entry in ClinVar:

NM_001378454.1(ALMS1):c.9743C>G (p.Ser3248Cys)

Gene: ALMS1 (ALMS1 centrosome and basal body associated protein; plus strand). Cytogenetic location: 2p13.1.
Variant type: single nucleotide variant.
Coding change: c.9743C>G on transcript NM_001378454.1 (MANE Select); coding-DNA position 9743, C replaced by G.
Protein change: p.Ser3248Cys; replaces serine 3248 with cysteine.
Molecular consequence: missense variant.
Genome position (GRCh38, 1-based): chr2:73,519,978, C>G. VCF-style: chr2-73519978-C-G. GRCh37 (hg19) VCF-style: chr2-73747105-C-G.
Other names: c.9746C>G, p.Ser3249Cys (NM_015120.4); short protein forms S3248C, S3249C.
Identifiers: ClinVar variation 2111386 (VCV002111386.5), dbSNP rs2466303981, ClinGen allele CA347281380.

ClinVar aggregate classification (germline): Uncertain significance. Review status: criteria provided, single submitter (1 of 4 stars). 2 submissions from 2 submitters: Uncertain significance (1). 1 of the submissions does not count toward it. Last evaluated 2022-03-15.

Conditions:
Alstrom syndrome (ALMS). Identifiers: Orphanet 64, MedGen C0268425, MONDO:0008763, OMIM 203800.

Submissions (2):

Labcorp Genetics (formerly Invitae), Labcorp
Classification: Uncertain significance for Alstrom syndrome. Last evaluated: 2022-03-15. Review status: criteria provided, single submitter. Criteria: Invitae Variant Classification Sherloc (09022015). Collection method: clinical testing. Allele origin: germline.
Comment: This sequence change replaces serine, which is neutral and polar, with cysteine, which is neutral and slightly polar, at codon 3249 of the ALMS1 protein (p.Ser3249Cys). This variant is not present in population databases (gnomAD no frequency). This variant has not been reported in the literature in individuals affected with ALMS1-related conditions. Experimental studies and prediction algorithms are not available or were not evaluated, and the functional significance of this variant is currently unknown. In summary, the available evidence is currently insufficient to determine the role of this variant in disease. Therefore, it has been classified as a Variant of Uncertain Significance.

Natera, Inc.
Classification: Uncertain significance for Alstrom syndrome. Last evaluated: 2025-02-21. Review status: no assertion criteria provided. Collection method: clinical testing. Allele origin: germline. Not counted in ClinVar's aggregate classification.